The following is an entry in ClinVar:

NC_000002.12:g.(?_165295804)_(166311776_?)dup

Genes: CSRNP3 (cysteine and serine rich nuclear protein 3; plus strand), GALNT3 (polypeptide N-acetylgalactosaminyltransferase 3; minus strand), SCN1A (sodium voltage-gated channel alpha subunit 1; minus strand), SCN2A (sodium voltage-gated channel alpha subunit 2; plus strand), SCN9A (sodium voltage-gated channel alpha subunit 9; minus strand) and 1 more. Cytogenetic location: 2q24.3.
Variant type: Duplication.
Identifiers: ClinVar variation 833051 (VCV000833051.2).

ClinVar aggregate classification (germline): Uncertain significance (1 of 4 stars; one submission).

Conditions:
Developmental and epileptic encephalopathy. Identifiers: MedGen C5779964, MONDO:0100620.

Submission:

Labcorp Genetics (formerly Invitae), Labcorp
Classification: Uncertain significance for Early infantile epileptic encephalopathy with suppression bursts. Last evaluated: 2019-12-11. Review status: criteria provided, single submitter. Criteria: Invitae Variant Classification Sherloc (09022015). Collection method: clinical testing. Allele origin: germline.
Comment: This variant results in a copy number gain of the genomic region encompassing the full coding sequence of the SCN1A gene. The boundaries of this event are unknown as they extend beyond the assayed region for this gene and therefore may encompass additional genes. As the precise location of this event is unknown, it may be in tandem or it may be located elsewhere in the genome. Isolated whole-gene duplications of the SCN1A gene have not been reported in the literature. However, larger copy number events that include this gene have been reported (PMID: 23016767, 26068938, 21416599, 23184456, 21692795). In summary, the available evidence is currently insufficient to determine the role of this variant in disease. Therefore, it has been classified as a Variant of Uncertain Significance.

Literature cited by the submitters: PubMed 23016767; PubMed 21416599; PubMed 23184456; PubMed 21692795; PubMed 26068938.